The following is an entry in ClinVar:

NM_001008537.3(NEXMIF):c.2165T>G (p.Phe722Cys)

Gene: NEXMIF (neurite extension and migration factor; minus strand). Cytogenetic location: Xq13.3.
Variant type: single nucleotide variant.
Coding change: c.2165T>G on transcript NM_001008537.3 (MANE Select); coding-DNA position 2165, T replaced by G.
Protein change: p.Phe722Cys; replaces phenylalanine 722 with cysteine.
Molecular consequence: missense variant.
Genome position (GRCh38, 1-based): chrX:74,742,392, A>C on the plus strand (T>G on the coding strand, the complement: NEXMIF is on the minus strand). VCF-style: chrX-74742392-A-C. GRCh37 (hg19) VCF-style: chrX-73962227-A-C.
Other names: short protein forms F722C.
Identifiers: ClinVar variation 2050153 (VCV002050153.4), dbSNP rs2519914400, ClinGen allele CA413668835.

ClinVar aggregate classification (germline): Uncertain significance (1 of 4 stars; one submission).

Submission:

Labcorp Genetics (formerly Invitae), Labcorp
Classification: Uncertain significance. Last evaluated: 2024-10-21. Review status: criteria provided, single submitter. Criteria: Invitae Variant Classification Sherloc (09022015). Collection method: clinical testing. Allele origin: germline.
Comment: This sequence change replaces phenylalanine, which is neutral and non-polar, with cysteine, which is neutral and slightly polar, at codon 722 of the NEXMIF protein (p.Phe722Cys). This variant is not present in population databases (gnomAD no frequency). This variant has not been reported in the literature in individuals affected with NEXMIF-related conditions. ClinVar contains an entry for this variant (Variation ID: 2050153). An algorithm developed to predict the effect of missense changes on protein structure and function (PolyPhen-2) suggests that this variant is likely to be disruptive. In summary, the available evidence is currently insufficient to determine the role of this variant in disease. Therefore, it has been classified as a Variant of Uncertain Significance.